The following is an entry in ClinVar:

ClinVar aggregate classification (germline): Uncertain significance (1 of 4 stars; one submission).

Allele frequency attached by ClinVar (database versions not stated): gnomAD 0.00003; ESP Exome Variant Server 0.00008.
gnomAD v4.1: 6 of 1,590,404 alleles (0.00038%); highest among the groups gnomAD compares: African/African-American, 0.004%; no homozygotes.

Submission:

Labcorp Genetics (formerly Invitae), Labcorp
Classification: Uncertain significance. Last evaluated: 2024-04-02. Review status: criteria provided, single submitter. Criteria: Invitae Variant Classification Sherloc (09022015). Collection method: clinical testing. Allele origin: germline.
Comment: This sequence change replaces valine, which is neutral and non-polar, with leucine, which is neutral and non-polar, at codon 68 of the KCNN2 protein (p.Val68Leu). The frequency data for this variant in the population databases is considered unreliable, as metrics indicate poor data quality at this position in the gnomAD database. This variant has not been reported in the literature in individuals affected with KCNN2-related conditions. ClinVar contains an entry for this variant (Variation ID: 1392272). An algorithm developed to predict the effect of missense changes on protein structure and function (PolyPhen-2) suggests that this variant is likely to be tolerated. In summary, the available evidence is currently insufficient to determine the role of this variant in disease. Therefore, it has been classified as a Variant of Uncertain Significance.

NM_021614.4(KCNN2):c.838G>T (p.Val280Leu)

Gene: KCNN2 (potassium calcium-activated channel subfamily N member 2; plus strand). Cytogenetic location: 5q22.3.
Variant type: single nucleotide variant.
Coding change: c.838G>T on transcript NM_021614.4 (MANE Select); coding-DNA position 838, G replaced by T.
Protein change: p.Val280Leu; replaces valine 280 with leucine.
Molecular consequence: missense variant.
Genome position (GRCh38, 1-based): chr5:114,362,977, G>T. VCF-style: chr5-114362977-G-T. GRCh37 (hg19) VCF-style: chr5-113698674-G-T.
Other names: c.1036G>T, p.Val346Leu (NM_001372233.1); short protein forms V280L, V346L.
Identifiers: ClinVar variation 1392272 (VCV001392272.6), dbSNP rs368550277, ClinGen allele CA3372811.